The following is an entry in ClinVar:

NM_000338.3(SLC12A1):c.2160G>A (p.Pro720=)

Gene: SLC12A1 (solute carrier family 12 member 1; plus strand). Cytogenetic location: 15q21.1.
Variant type: single nucleotide variant.
Coding change: c.2160G>A on transcript NM_000338.3 (MANE Select); coding-DNA position 2160, G replaced by A.
Protein change: p.Pro720=; no amino-acid change (proline 720 retained).
Molecular consequence: synonymous variant.
Genome position (GRCh38, 1-based): chr15:48,267,566, G>A. VCF-style: chr15-48267566-G-A. GRCh37 (hg19) VCF-style: chr15-48559763-G-A.
Other names: c.2160G>A, p.Pro720= (NM_001184832.2).
Identifiers: ClinVar variation 714653 (VCV000714653.18), dbSNP rs34820738, ClinGen allele CA7547309.

ClinVar aggregate classification (germline): Benign/Likely benign. Review status: criteria provided, multiple submitters, no conflicts (2 of 4 stars). 5 submissions from 5 submitters: Benign (1); Likely benign (3). 1 of the submissions does not count toward it. Last evaluated 2026-01-28.

Conditions:
SLC12A1-related disorder. Also called: SLC12A1-related condition.
Bartter disease type 1. Also called: Bartter Syndrome type 1; HYPERPROSTAGLANDIN E SYNDROME 1; HYPOKALEMIC ALKALOSIS WITH HYPERCALCIURIA 1, ANTENATAL; Bartter syndrome, type 1, antenatal. Identifiers: Orphanet 112, Orphanet 620217, MedGen C1866495, MONDO:0100344, OMIM 601678, MONDO:0011127.

Allele frequency attached by ClinVar (database versions not stated): gnomAD exomes 0.00016 and 0.00038; ExAC 0.00046; gnomAD 0.00137 and 0.00148; TOPMed 0.00156; 1000 Genomes Project 0.00160; 1000 Genomes Project 30x 0.00172; ESP Exome Variant Server 0.00185.
gnomAD v4.1: 456 of 1,613,274 alleles (0.028%); highest among the groups gnomAD compares: African/African-American, 0.52%; no homozygotes.

Submissions (5):

Labcorp Genetics (formerly Invitae), Labcorp
Classification: Benign. Last evaluated: 2026-01-28. Review status: criteria provided, single submitter. Criteria: Invitae Variant Classification Sherloc (09022015). Collection method: clinical testing. Allele origin: germline.

Fulgent Genetics
Classification: Likely benign for Bartter disease type 1. Last evaluated: 2021-10-27. Review status: criteria provided, single submitter. Criteria: ACMG Guidelines, 2015. Collection method: clinical testing. Allele origin: unknown.

Illumina Laboratory Services, Illumina
Classification: Likely benign for Bartter disease type 1. Last evaluated: 2018-01-13. Review status: criteria provided, single submitter. Criteria: ICSL Variant Classification Criteria 13 December 2019. Collection method: clinical testing. Allele origin: germline.
Comment: This variant was observed in the ICSL laboratory as part of a predisposition screen in an ostensibly healthy population. It had not been previously curated by ICSL or reported in the Human Gene Mutation Database (HGMD: prior to June 1st, 2018), and was therefore a candidate for classification through an automated scoring system. Utilizing variant allele frequency, disease prevalence and penetrance estimates, and inheritance mode, an automated score was calculated to assess if this variant is too frequent to cause the disease. Based on the score and internal cut-off values, a variant classified as likely benign is not then subjected to further curation. The score for this variant resulted in a classification of likely benign for this disease.

Breakthrough Genomics
Classification: Likely benign. Review status: criteria provided, single submitter. Criteria: ACMG Guidelines, 2015. Collection method: not provided. Allele origin: germline. Inheritance: Autosomal recessive inheritance. Affected: yes.

PreventionGenetics, part of Exact Sciences
Classification: Likely benign for SLC12A1-related condition. Last evaluated: 2019-06-07. Review status: no assertion criteria provided. Collection method: clinical testing. Allele origin: germline. Not counted in ClinVar's aggregate classification.
Comment: This variant is classified as likely benign based on ACMG/AMP sequence variant interpretation guidelines (Richards et al. 2015 PMID: 25741868, with internal and published modifications).